The following is an entry in ClinVar:

NM_001267550.2(TTN):c.42054dup (p.Arg14019fs)

Gene: TTN (titin; minus strand). Cytogenetic location: 2q31.2.
Variant type: Duplication.
Coding change: c.42054dup on transcript NM_001267550.2 (MANE Select); coding-DNA position 42054, one base duplicated (A; older notation c.42054dupA).
Protein change: p.Arg14019fs; shifts the reading frame from arginine 14019.
Molecular consequence: frameshift variant.
Genome position (GRCh38, 1-based): chr2:178,634,820, T duplicated on the plus strand (A on the coding strand, the reverse complement: TTN is on the minus strand); the first of 4 consecutive T bases (chr2:178,634,820-178,634,823); duplicating any one gives the same sequence. VCF-style (leftmost placement, unchanged base first): chr2-178634819-G-GT. GRCh37 (hg19) VCF-style: chr2-179499546-G-GT.
Other names: c.37131dup, p.Arg12378fs (NM_001256850.1); c.14859dup, p.Arg4954fs (NM_003319.4); c.34350dup, p.Arg11451fs (NM_133378.4); c.15234dup, p.Arg5079fs (NM_133432.3); c.15435dup, p.Arg5146fs (NM_133437.4); c.42054dup (NM_001267550.1); short protein forms R11451fs, R4954fs, R12378fs, R14019fs, R5079fs, R5146fs.
Identifiers: ClinVar variation 596400 (VCV000596400.11), dbSNP rs1559977271, ClinGen allele CA913189560.

ClinVar aggregate classification (germline): Conflicting classifications of pathogenicity. Review status: criteria provided, conflicting classifications (1 of 4 stars). 3 submissions from 3 submitters: Likely pathogenic (2); Uncertain significance (1). Last evaluated 2026-03-02.

Conditions:
Autosomal recessive limb-girdle muscular dystrophy type 2J (LGMDR10). Also called: MUSCULAR DYSTROPHY, LIMB-GIRDLE, AUTOSOMAL RECESSIVE 10; Limb-girdle muscular dystrophy, type 2J. Identifiers: Orphanet 140922, MedGen C1837342, MONDO:0012127, OMIM 608807.
Dilated cardiomyopathy 1G (CMD1G). Identifiers: Orphanet 154, MedGen C1858763, MONDO:0011400, OMIM 604145.

Submissions (3):

GeneDx
Classification: Likely pathogenic. Last evaluated: 2026-03-02. Review status: criteria provided, single submitter. Criteria: GeneDx Variant Classification Process June 2021. Collection method: clinical testing. Allele origin: germline.
Comment: Identified with a second variant in a patient with congenital myopathy and sinus arrthymia in published literature (PMID: 32815318); Located in a specific region of the I-band within TTN for which truncating variants are significantly associated with autosomal dominant cardiomyopathy and also with autosomal recessive skeletal myopathies (PMID: 27625338, 27869827, 32778822); Not observed at significant frequency in large population cohorts (gnomAD); This variant is associated with the following publications: (PMID: 32815318, 27625338, 27869827, 32778822)

Labcorp Genetics (formerly Invitae), Labcorp
Classification: Likely pathogenic for Dilated cardiomyopathy 1G; Autosomal recessive limb-girdle muscular dystrophy type 2J. Last evaluated: 2024-11-04. Review status: criteria provided, single submitter. Criteria: Invitae Variant Classification Sherloc (09022015). Collection method: clinical testing. Allele origin: germline.
Comment: This sequence change creates a premature translational stop signal (p.Arg14019Thrfs*15) in the TTN gene. While this is not anticipated to result in nonsense mediated decay, it is expected to create a truncated TTN protein. This variant is not present in population databases (gnomAD no frequency). This premature translational stop signal has been observed in individual(s) with autosomal recessive congenital myopathy (PMID: 32815318). ClinVar contains an entry for this variant (Variation ID: 596400). This variant is located in the I band of TTN (PMID: 25589632). Truncating variants in this region have been reported in individuals affected with autosomal recessive centronuclear myopathy (PMID: 23975875, internal data). Truncating variants in this region have also been identified in individuals affected with autosomal dominant dilated cardiomyopathy and/or cardio-related conditions (PMID: 27869827, 32964742, internal data). In summary, the currently available evidence indicates that the variant is pathogenic, but additional data are needed to prove that conclusively. Therefore, this variant has been classified as Likely Pathogenic.

Eurofins Ntd Llc (ga)
Classification: Uncertain significance. Last evaluated: 2018-03-13. Review status: criteria provided, single submitter. Criteria: EGL ClinVar v180209 classification definitions. Collection method: clinical testing. Allele origin: germline. Observed: 1 variant allele, 1 heterozygote.

Literature cited by the submitters: PubMed 32815318 (cited by Labcorp Genetics (formerly Invitae), Labcorp); PubMed 25589632 (cited by Labcorp Genetics (formerly Invitae), Labcorp); PubMed 23975875 (cited by Labcorp Genetics (formerly Invitae), Labcorp); PubMed 27869827 (cited by Labcorp Genetics (formerly Invitae), Labcorp); PubMed 32964742 (cited by Labcorp Genetics (formerly Invitae), Labcorp).